The following is an entry in ClinVar:

NM_005462.5(MAGEC1):c.920T>G (p.Val307Gly)

Gene: MAGEC1 (MAGE family member C1; plus strand). Cytogenetic location: Xq27.2.
Variant type: single nucleotide variant.
Coding change: c.920T>G on transcript NM_005462.5 (MANE Select); coding-DNA position 920, T replaced by G.
Protein change: p.Val307Gly; replaces valine 307 with glycine.
Molecular consequence: missense variant.
Genome position (GRCh38, 1-based): chrX:141,906,324, T>G. VCF-style: chrX-141906324-T-G. GRCh37 (hg19) VCF-style: chrX-140994110-T-G.
Other names: short protein forms V307G.
Identifiers: ClinVar variation 3542072 (VCV003542072.14).

ClinVar aggregate classification (germline): Conflicting classifications of pathogenicity. Review status: criteria provided, conflicting classifications (1 of 4 stars). 2 submissions from 2 submitters: Uncertain significance (1); Likely benign (1). Last evaluated 2025-02-01.

Submissions (2):

CeGaT Center for Human Genetics Tuebingen
Classification: Likely benign. Last evaluated: 2025-02-01. Review status: criteria provided, single submitter. Criteria: CeGaT Center For Human Genetics Tuebingen Variant Classification Criteria Version 2. Collection method: clinical testing. Allele origin: germline. Affected: yes. Observed: 1 variant allele.
Comment: MAGEC1: BP4, BS2

Ambry Genetics
Classification: Uncertain significance. Last evaluated: 2024-08-26. Review status: criteria provided, single submitter. Criteria: Ambry Variant Classification Scheme 2023. Collection method: clinical testing. Allele origin: germline.